The following is an entry in ClinVar:

NM_006206.6(PDGFRA):c.611A>G (p.Asn204Ser)

Gene: PDGFRA (platelet derived growth factor receptor alpha; plus strand). Cytogenetic location: 4q12.
Variant type: single nucleotide variant.
Coding change: c.611A>G on transcript NM_006206.6 (MANE Select); coding-DNA position 611, A replaced by G.
Protein change: p.Asn204Ser; replaces asparagine 204 with serine.
Molecular consequence: missense variant.
Genome position (GRCh38, 1-based): chr4:54,263,910, A>G. VCF-style: chr4-54263910-A-G. GRCh37 (hg19) VCF-style: chr4-55130077-A-G.
Other names: c.611A>G, p.Asn204Ser (NM_001347827.2, NM_001347829.2); c.686A>G, p.Asn229Ser (NM_001347828.2); c.650A>G, p.Asn217Ser (NM_001347830.2); short protein forms N204S, N217S, N229S.
Identifiers: ClinVar variation 3225313 (VCV003225313.2), dbSNP rs2475437682, ClinGen allele CA356890196.

ClinVar aggregate classification (germline): Uncertain significance. Review status: criteria provided, multiple submitters, no conflicts (2 of 4 stars). 2 submissions from 2 submitters: Uncertain significance (2). Last evaluated 2025-12-08.

Conditions:
Hereditary cancer-predisposing syndrome. Also called: Neoplastic Syndromes, Hereditary; Tumor predisposition; Hereditary Cancer Syndrome; Hereditary neoplastic syndrome. Identifiers: Orphanet 140162, MedGen C0027672, MeSH D009386, MONDO:0015356.
Gastrointestinal stromal tumor. Also called: Gastrointestinal stromal tumor, somatic; Gastrointestinal stroma tumor. Identifiers: Orphanet 44890, MedGen C0238198, MeSH D046152, MONDO:0011719, OMIM 606764, HP:0100723.

Submissions (2):

Labcorp Genetics (formerly Invitae), Labcorp
Classification: Uncertain significance for Gastrointestinal stromal tumor. Last evaluated: 2025-12-08. Review status: criteria provided, single submitter. Criteria: Invitae Variant Classification Sherloc (09022015). Collection method: clinical testing. Allele origin: germline.
Comment: This sequence change replaces asparagine, which is neutral and polar, with serine, which is neutral and polar, at codon 204 of the PDGFRA protein (p.Asn204Ser). This variant is not present in population databases (gnomAD no frequency). This variant has not been reported in the literature in individuals affected with PDGFRA-related conditions. ClinVar contains an entry for this variant (Variation ID: 3225313). Invitae Evidence Modeling of protein sequence and biophysical properties (such as structural, functional, and spatial information, amino acid conservation, physicochemical variation, residue mobility, and thermodynamic stability) indicates that this missense variant is not expected to disrupt PDGFRA protein function with a negative predictive value of 80%. In summary, the available evidence is currently insufficient to determine the role of this variant in disease. Therefore, it has been classified as a Variant of Uncertain Significance.

Ambry Genetics
Classification: Uncertain significance for Hereditary cancer-predisposing syndrome. Last evaluated: 2023-09-27. Review status: criteria provided, single submitter. Criteria: Ambry Variant Classification Scheme 2023. Collection method: clinical testing. Allele origin: germline.
Comment: The p.N204S variant (also known as c.611A>G), located in coding exon 3 of the PDGFRA gene, results from an A to G substitution at nucleotide position 611. The asparagine at codon 204 is replaced by serine, an amino acid with highly similar properties. This amino acid position is conserved. In addition, this alteration is predicted to be tolerated by in silico analysis. Since supporting evidence is limited at this time, the clinical significance of this alteration remains unclear.